The following is an entry in ClinVar:

ClinVar aggregate classification (germline): Conflicting classifications of pathogenicity. Review status: criteria provided, conflicting classifications (1 of 4 stars). 4 submissions from 4 submitters: Likely pathogenic (1); Uncertain significance (3). Last evaluated 2026-02-02.

Conditions:
Glycine encephalopathy 1 (GCE1). Identifiers: MedGen CN376801, MONDO:0958179, OMIM 605899.
Glycine encephalopathy. Also called: Non-ketotic hyperglycinemia; Nonketotic hyperglycinemia. Identifiers: Orphanet 407, MedGen C0751748, MONDO:0011612, HP:0008288.

Allele frequency attached by ClinVar (database versions not stated): gnomAD exomes below 0.00001 and 0.00001.
gnomAD v4.1: 4 of 1,613,992 alleles (0.00025%); highest among the groups gnomAD compares: Non-Finnish European, 0.00034%; no homozygotes.

Submissions (4):

Myriad Genetics, Inc.
Classification: Uncertain significance for Glycine encephalopathy 1. Last evaluated: 2026-02-02. Review status: criteria provided, single submitter. Criteria: Myriad Autosomal Dominant, Autosomal Recessive and X-Linked Classification Criteria (2023). Collection method: clinical testing. Allele origin: unknown.
Comment: NM_000170.2(GLDC):c.1759C>G(Q587E) is a missense variant classified as a variant of uncertain significance in the context of glycine encephalopathy, GLDC-related. Q587E has been observed in a case with relevant disease (PMID: Dhawan_2021_(Abstract)). Relevant functional assessments of this variant are not available in the literature. Q587E has been observed in referenced population frequency databases. In summary, there is insufficient evidence to classify NM_000170.2(GLDC):c.1759C>G(Q587E) as pathogenic or benign. Please note: this variant was assessed in the context of healthy population screening.

GeneDx
Classification: Likely pathogenic. Last evaluated: 2025-11-14. Review status: criteria provided, single submitter. Criteria: GeneDx Variant Classification Process June 2021. Collection method: clinical testing. Allele origin: germline. Affected: yes.
Comment: Has not been previously reported in peer-reviewed literature as pathogenic or benign to our knowledge. However, in a meeting abstract by Dhawan et al. (2021), p.(Q587E) was seen in a patient with clinical features of a GLDC-related encephalopathy who harbored a second GLDC variant (Dhawan et al.: An Adult Case of Non-Ketotic Hyperglycinemia Due to Novel Compound Heterozygous Variants in GLDC. Abstract #1656: Presented at the 2021 AAN 73rd Annual Meeting 2021: Neurology Vol 96:15); In silico analysis supports that this missense variant has a deleterious effect on protein structure/function; Not observed at a significant frequency in large population cohorts (gnomAD); This variant is associated with the following publications: (PMID: Dhawan_2021)

Women's Health and Genetics/Laboratory Corporation of America, LabCorp
Classification: Uncertain significance. Last evaluated: 2024-07-01. Review status: criteria provided, single submitter. Criteria: LabCorp Variant Classification Summary - May 2015. Collection method: clinical testing. Allele origin: germline.
Comment: Variant summary: GLDC c.1759C>G (p.Gln587Glu) results in a conservative amino acid change located in the Aromatic amino acid beta-eliminating lyase/threonine aldolase domain (IPR001597) of the encoded protein sequence. Four of five in-silico tools predict a damaging effect of the variant on protein function. The variant allele was found at a frequency of 8e-06 in 251472 control chromosomes (gnomAD). The available data on variant occurrences in the general population are insufficient to allow any conclusion about variant significance. To our knowledge, no occurrence of c.1759C>G in individuals affected with Glycine Encephalopathy (Non-Ketotic Hyperglycinemia) and no experimental evidence demonstrating its impact on protein function have been reported. ClinVar contains an entry for this variant (Variation ID: 1207930). Based on the evidence outlined above, the variant was classified as uncertain significance.

Labcorp Genetics (formerly Invitae), Labcorp
Classification: Uncertain significance for Glycine encephalopathy. Last evaluated: 2022-05-04. Review status: criteria provided, single submitter. Criteria: Invitae Variant Classification Sherloc (09022015). Collection method: clinical testing. Allele origin: germline.
Comment: This sequence change replaces glutamine, which is neutral and polar, with glutamic acid, which is acidic and polar, at codon 587 of the GLDC protein (p.Gln587Glu). This variant is present in population databases (no rsID available, gnomAD 0.002%). This variant has not been reported in the literature in individuals affected with GLDC-related conditions. ClinVar contains an entry for this variant (Variation ID: 1207930). Advanced modeling of protein sequence and biophysical properties (such as structural, functional, and spatial information, amino acid conservation, physicochemical variation, residue mobility, and thermodynamic stability) performed at Invitae indicates that this missense variant is expected to disrupt GLDC protein function. In summary, the available evidence is currently insufficient to determine the role of this variant in disease. Therefore, it has been classified as a Variant of Uncertain Significance.

NM_000170.3(GLDC):c.1759C>G (p.Gln587Glu)

Gene: GLDC (glycine decarboxylase; minus strand). Cytogenetic location: 9p24.1.
Variant type: single nucleotide variant.
Coding change: c.1759C>G on transcript NM_000170.3 (MANE Select); coding-DNA position 1759, C replaced by G.
Protein change: p.Gln587Glu; replaces glutamine 587 with glutamic acid.
Molecular consequence: missense variant.
Genome position (GRCh38, 1-based): chr9:6,587,232, G>C on the plus strand (C>G on the coding strand, the complement: GLDC is on the minus strand). VCF-style: chr9-6587232-G-C. GRCh37 (hg19) VCF-style: chr9-6587232-G-C.
Other names: short protein forms Q587E.
Identifiers: ClinVar variation 1207930 (VCV001207930.8), dbSNP rs1296797567, ClinGen allele CA372891673.